The following is an entry in ClinVar:

Conditions:
Breast-ovarian cancer, familial, susceptibility to, 1 (BROVCA1). Also called: BRCA1 Hereditary Breast and Ovarian Cancer; OVARIAN CANCER, SUSCEPTIBILITY TO. Identifiers: Orphanet 145, MedGen C2676676, MONDO:0011450, OMIM 604370. Disease mechanism: loss of function.

Submission:

Brotman Baty Institute, University of Washington
No classification provided (evidence only). Condition: Breast-ovarian cancer, familial 1. Review status: no classification provided. Collection method: in vitro. Allele origin: not applicable. Functional consequence: functionally_normal.
ClinVar note: "not provided" was previously submitted as the classification for the variant. However, the classification appeared to be based only on an observation of functional data so it was converted to no classification on 2025-07-30.

NM_007294.4(BRCA1):c.5488G>C (p.Ala1830Pro)

Gene: BRCA1 (BRCA1 DNA repair associated; minus strand). Cytogenetic location: 17q21.31.
Variant type: single nucleotide variant.
Coding change: c.5488G>C on transcript NM_007294.4 (MANE Select); coding-DNA position 5488, G replaced by C.
Protein change: p.Ala1830Pro; replaces alanine 1830 with proline.
Molecular consequence: missense variant. On other transcripts: 3 prime UTR variant (1), non-coding transcript variant (1).
Genome position (GRCh38, 1-based): chr17:43,045,782, C>G on the plus strand (G>C on the coding strand, the complement: BRCA1 is on the minus strand). VCF-style: chr17-43045782-C-G. GRCh37 (hg19) VCF-style: chr17-41197799-C-G.
Other names: c.5347G>C, p.Ala1783Pro (NM_001407730.1, NM_001407731.1, NM_001407697.1 and 12 more transcripts); c.5362G>C, p.Ala1788Pro (NM_001407677.1, NM_001407678.1, NM_001407679.1 and 8 more transcripts); c.5359G>C, p.Ala1787Pro (NM_001407681.1, NM_001407682.1, NM_001407683.1 and 6 more transcripts); c.5344G>C, p.Ala1782Pro (NM_001407741.1, NM_001407742.1, NM_001407743.1 and 18 more transcripts); c.5275G>C, p.Ala1759Pro (NM_001407910.1, NM_001407894.1, NM_001407895.1 and 12 more transcripts); c.5272G>C, p.Ala1758Pro (NM_001407915.1, NM_001407916.1, NM_001407917.1 and 1 more transcripts); c.5236G>C, p.Ala1746Pro (NM_001407919.1); c.5224G>C, p.Ala1742Pro (NM_001407920.1, NM_001407921.1, NM_001407922.1 and 4 more transcripts); and 74 more; short protein forms A1830P, A1851P, A1783P, A726P, A1534P, A1661P, A1676P, A1740P.
Identifiers: ClinVar variation 868984 (VCV000868984.3), dbSNP rs80357393, ClinGen allele CA10590328.
Genomic context (GRCh38, chr17:43,045,782, plus strand): 5'-GCTCCTGGCACTGGTAGAGTGCTACACTGTCCAACACCCACTCTCGGGTCACCACAGGTG[C>G]CTCACACATCTGCCCAATTGCTGGAGACAGAGAACACAAGCAGAGATTAGTGTCAATTCA-3'
Protein context (NP_009225.1, residues 1820-1840): GFHAIGQMCE[Ala1830Pro]PVVTREWVLD